The following is an entry in ClinVar:

NM_139276.3(STAT3):c.753C>A (p.Cys251Ter)

Genes: STAT3 (signal transducer and activator of transcription 3; minus strand), LOC130060888 (ATAC-STARR-seq lymphoblastoid active region 12197; plus strand). Cytogenetic location: 17q21.2.
Variant type: single nucleotide variant.
Coding change: c.753C>A on transcript NM_139276.3 (MANE Select); coding-DNA position 753, C replaced by A.
Protein change: p.Cys251Ter; replaces cysteine 251 with a stop codon.
Molecular consequence: nonsense.
Genome position (GRCh38, 1-based): chr17:42,337,479, G>T on the plus strand (C>A on the coding strand, the complement: STAT3 is on the minus strand). VCF-style: chr17-42337479-G-T. GRCh37 (hg19) VCF-style: chr17-40489497-G-T.
Other names: c.753C>A, p.Cys251Ter (NM_001369512.1, NM_001369513.1, NM_001369514.1 and 15 more transcripts); c.675C>A, p.Cys225Ter (NM_001384985.1); c.657C>A, p.Cys219Ter (NM_001384989.1); short protein forms C219*, C225*, C251*.
Identifiers: ClinVar variation 2948783 (VCV002948783.3), dbSNP rs2144872972, ClinGen allele CA399593020.

ClinVar aggregate classification (germline): Uncertain significance (1 of 4 stars; one submission).

Conditions:
Hyper-IgE recurrent infection syndrome 1, autosomal dominant. Also called: JOB SYNDROME; Job's Syndrome; STAT3 Hyper IgE Syndrome; Hyper-IgE recurrent infection syndrome 1; HYPER-IgE SYNDROME 1, AUTOSOMAL DOMINANT, WITH RECURRENT INFECTIONS. Identifiers: Orphanet 2314, MedGen C2936739, MONDO:0007818, OMIM 147060.
STAT3 gain of function. Identifiers: MedGen C4288261.

Submission:

Labcorp Genetics (formerly Invitae), Labcorp
Classification: Uncertain significance for STAT3 gain of function; Hyper-IgE recurrent infection syndrome 1, autosomal dominant. Last evaluated: 2023-08-27. Review status: criteria provided, single submitter. Criteria: Invitae Variant Classification Sherloc (09022015). Collection method: clinical testing. Allele origin: germline.
Comment: In summary, the available evidence is currently insufficient to determine the role of this variant in disease. Therefore, it has been classified as a Variant of Uncertain Significance. This sequence change creates a premature translational stop signal (p.Cys251*) in the STAT3 gene. It is expected to result in an absent or disrupted protein product. However, the current clinical and genetic evidence is not sufficient to establish whether loss-of-function variants in STAT3 cause disease. This variant is not present in population databases (gnomAD no frequency). This variant has not been reported in the literature in individuals affected with STAT3-related conditions.